The following is an entry in ClinVar:

NM_000426.4(LAMA2):c.3861C>T (p.Ile1287=)

Gene: LAMA2 (laminin subunit alpha 2; plus strand). Cytogenetic location: 6q22.33.
Variant type: single nucleotide variant.
Coding change: c.3861C>T on transcript NM_000426.4 (MANE Select); coding-DNA position 3861, C replaced by T.
Protein change: p.Ile1287=; no amino-acid change (isoleucine 1287 retained).
Molecular consequence: synonymous variant.
Genome position (GRCh38, 1-based): chr6:129,315,887, C>T. VCF-style: chr6-129315887-C-T. GRCh37 (hg19) VCF-style: chr6-129637032-C-T.
Other names: p.Ile1287=; c.3861C>T, p.Ile1287= (NM_001079823.2).
Identifiers: ClinVar variation 70342 (VCV000070342.13), dbSNP rs138702650, ClinGen allele CA3993372.

ClinVar aggregate classification (germline): Likely benign. Review status: criteria provided, multiple submitters, no conflicts (2 of 4 stars). 3 submissions from 3 submitters: Likely benign (2). 1 of the submissions does not count toward it. Last evaluated 2025-12-02.

Conditions:
LAMA2-related muscular dystrophy (LAMA2-RD). Also called: Laminin alpha 2-related dystrophy. Identifiers: MedGen C5679788, MONDO:0100228.
Merosin deficient congenital muscular dystrophy (MDC1A). Also called: Congenital merosin-deficient muscular dystrophy 1A; Congenital Muscular Dystrophy Type 1A (MDC1A). Identifiers: Orphanet 258, MedGen C1263858, MONDO:0011925, OMIM 607855.

Allele frequency attached by ClinVar (database versions not stated): gnomAD 0.00001; gnomAD exomes 0.00001 and 0.00002; ExAC 0.00002; TOPMed 0.00002.
gnomAD v4.1: 14 of 1,613,960 alleles (0.00087%); highest among the groups gnomAD compares: Admixed American, 0.005%; no homozygotes.

Submissions (3):

Labcorp Genetics (formerly Invitae), Labcorp
Classification: Likely benign for LAMA2-related muscular dystrophy. Last evaluated: 2025-12-02. Review status: criteria provided, single submitter. Criteria: Invitae Variant Classification Sherloc (09022015). Collection method: clinical testing. Allele origin: germline.

Mayo Clinic Laboratories, Mayo Clinic
Classification: Likely benign. Last evaluated: 2025-11-23. Review status: criteria provided, single submitter. Criteria: ACMG Guidelines, 2015. Collection method: clinical testing. Allele origin: germline. Observed: 1 variant allele.
Comment: BP4, BP7

Counsyl
Classification: Likely benign for Merosin deficient congenital muscular dystrophy. Last evaluated: 2017-01-25. Review status: no assertion criteria provided. Collection method: clinical testing. Allele origin: unknown. Not counted in ClinVar's aggregate classification.